The following is an entry in ClinVar:

NM_002691.4(POLD1):c.2512C>T (p.Pro838Ser)

Gene: POLD1 (DNA polymerase delta 1, catalytic subunit; plus strand). Cytogenetic location: 19q13.33.
Variant type: single nucleotide variant.
Coding change: c.2512C>T on transcript NM_002691.4 (MANE Select); coding-DNA position 2512, C replaced by T.
Protein change: p.Pro838Ser; replaces proline 838 with serine.
Molecular consequence: missense variant. On other transcripts: non-coding transcript variant (1).
Genome position (GRCh38, 1-based): chr19:50,414,938, C>T. VCF-style: chr19-50414938-C-T. GRCh37 (hg19) VCF-style: chr19-50918195-C-T.
Other names: c.2512C>T, p.Pro838Ser (NM_001256849.1); c.2590C>T, p.Pro864Ser (NM_001308632.1); short protein forms P864S, P838S.
Identifiers: ClinVar variation 3661619 (VCV003661619.2).

ClinVar aggregate classification (germline): Uncertain significance (1 of 4 stars; one submission).

Conditions:
POLD1-related polyposis and colorectal cancer syndrome (CRCS10). Also called: Colorectal cancer 10; COLORECTAL CANCER, SUSCEPTIBILITY TO, ON CHROMOSOME 19q; Colorectal cancer, susceptibility to, 10. Identifiers: Orphanet 220460, MedGen C2675481, MONDO:0012953, OMIM 612591.

Submission:

Labcorp Genetics (formerly Invitae), Labcorp
Classification: Uncertain significance for POLD1-related polyposis and colorectal cancer syndrome. Last evaluated: 2024-08-07. Review status: criteria provided, single submitter. Criteria: Invitae Variant Classification Sherloc (09022015). Collection method: clinical testing. Allele origin: germline.
Comment: This sequence change replaces proline, which is neutral and non-polar, with serine, which is neutral and polar, at codon 838 of the POLD1 protein (p.Pro838Ser). This variant is not present in population databases (gnomAD no frequency). This variant has not been reported in the literature in individuals affected with POLD1-related conditions. Advanced modeling of protein sequence and biophysical properties (such as structural, functional, and spatial information, amino acid conservation, physicochemical variation, residue mobility, and thermodynamic stability) performed at Invitae indicates that this missense variant is not expected to disrupt POLD1 protein function with a negative predictive value of 80%. In summary, the available evidence is currently insufficient to determine the role of this variant in disease. Therefore, it has been classified as a Variant of Uncertain Significance.